The following is an entry in ClinVar:

NM_001394062.1(MACF1):c.22300A>G (p.Ser7434Gly)

Gene: MACF1 (microtubule actin crosslinking factor 1; plus strand). Cytogenetic location: 1p34.3.
Variant type: single nucleotide variant.
Coding change: c.22300A>G on transcript NM_001394062.1 (MANE Select); coding-DNA position 22300, A replaced by G.
Protein change: p.Ser7434Gly; replaces serine 7434 with glycine.
Molecular consequence: missense variant.
Genome position (GRCh38, 1-based): chr1:39,484,619, A>G. VCF-style: chr1-39484619-A-G. GRCh37 (hg19) VCF-style: chr1-39950291-A-G.
Other names: c.10180A>G, p.Ser3394Gly (NM_001397473.1); c.15925A>G, p.Ser5309Gly (NM_012090.5); short protein forms S5309G, S3394G, S7434G.
Identifiers: ClinVar variation 2116874 (VCV002116874.4), dbSNP rs2523520588, ClinGen allele CA339785759.

ClinVar aggregate classification (germline): Uncertain significance (1 of 4 stars; one submission).

Submission:

Labcorp Genetics (formerly Invitae), Labcorp
Classification: Uncertain significance. Last evaluated: 2022-10-19. Review status: criteria provided, single submitter. Criteria: Invitae Variant Classification Sherloc (09022015). Collection method: clinical testing. Allele origin: germline.
Comment: This sequence change replaces serine, which is neutral and polar, with glycine, which is neutral and non-polar, at codon 5309 of the MACF1 protein (p.Ser5309Gly). This variant is not present in population databases (gnomAD no frequency). This variant has not been reported in the literature in individuals affected with MACF1-related conditions. Algorithms developed to predict the effect of missense changes on protein structure and function (SIFT, PolyPhen-2, Align-GVGD) all suggest that this variant is likely to be tolerated. In summary, the available evidence is currently insufficient to determine the role of this variant in disease. Therefore, it has been classified as a Variant of Uncertain Significance.